The following is an entry in ClinVar:

ClinVar aggregate classification (germline): Likely benign. Review status: criteria provided, multiple submitters, no conflicts (2 of 4 stars). 3 submissions from 3 submitters: Likely benign (3). Last evaluated 2024-11-01.

Allele frequency attached by ClinVar (database versions not stated): gnomAD 0.00082 and 0.00086; TOPMed 0.00090; gnomAD exomes 0.00092; ESP Exome Variant Server 0.00138.
gnomAD v4.1: 1,454 of 1,613,978 alleles (0.09%); highest among the groups gnomAD compares: Non-Finnish European, 0.11%; no homozygotes.

Submissions (3):

Blueprint Genetics
Classification: Likely benign. Last evaluated: 2024-11-01. Review status: criteria provided, single submitter. Criteria: ACMG Guidelines, 2015. Collection method: clinical testing. Allele origin: germline.

CeGaT Center for Human Genetics Tuebingen
Classification: Likely benign. Last evaluated: 2022-03-01. Review status: criteria provided, single submitter. Criteria: CeGaT Center For Human Genetics Tuebingen Variant Classification Criteria Version 2. Collection method: clinical testing. Allele origin: germline. Affected: yes. Observed: 1 variant allele.
Comment: PER3: BP4, BP7

Labcorp Genetics (formerly Invitae), Labcorp
Classification: Likely benign. Last evaluated: 2019-01-02. Review status: criteria provided, single submitter. Criteria: Invitae Variant Classification Sherloc (09022015). Collection method: clinical testing. Allele origin: germline.

NM_001377275.1(PER3):c.2811A>G (p.Leu937=)

Gene: PER3 (period circadian regulator 3; plus strand). Cytogenetic location: 1p36.23.
Variant type: single nucleotide variant.
Coding change: c.2811A>G on transcript NM_001377275.1 (MANE Select); coding-DNA position 2811, A replaced by G.
Protein change: p.Leu937=; no amino-acid change (leucine 937 retained).
Molecular consequence: synonymous variant.
Genome position (GRCh38, 1-based): chr1:7,827,740, A>G. VCF-style: chr1-7827740-A-G. GRCh37 (hg19) VCF-style: chr1-7887800-A-G.
Other names: c.2811A>G, p.Leu937= (NM_001289861.2, NM_001289862.2); c.2790A>G, p.Leu930= (NM_001289863.3, NM_001377276.1); c.1854A>G, p.Leu618= (NM_001289864.3); c.2787A>G, p.Leu929= (NM_016831.4).
Identifiers: ClinVar variation 712309 (VCV000712309.28), dbSNP rs138410357, ClinGen allele CA568524.